The following is an entry in ClinVar:

ClinVar aggregate classification (germline): Uncertain significance (1 of 4 stars; one submission).

Submission:

Labcorp Genetics (formerly Invitae), Labcorp
Classification: Uncertain significance. Last evaluated: 2023-07-07. Review status: criteria provided, single submitter. Criteria: Invitae Variant Classification Sherloc (09022015). Collection method: clinical testing. Allele origin: germline.
Comment: This sequence change replaces methionine, which is neutral and non-polar, with isoleucine, which is neutral and non-polar, at codon 596 of the HK1 protein (p.Met596Ile). This variant is not present in population databases (gnomAD no frequency). This variant has not been reported in the literature in individuals affected with HK1-related conditions. ClinVar contains an entry for this variant (Variation ID: 1720949). Advanced modeling of protein sequence and biophysical properties (such as structural, functional, and spatial information, amino acid conservation, physicochemical variation, residue mobility, and thermodynamic stability) performed at Invitae indicates that this missense variant is not expected to disrupt HK1 protein function. In summary, the available evidence is currently insufficient to determine the role of this variant in disease. Therefore, it has been classified as a Variant of Uncertain Significance.

NM_000188.3(HK1):c.1788G>A (p.Met596Ile)

Gene: HK1 (hexokinase 1; plus strand). Cytogenetic location: 10q22.1.
Variant type: single nucleotide variant.
Coding change: c.1788G>A on transcript NM_000188.3 (MANE Select); coding-DNA position 1788, G replaced by A.
Protein change: p.Met596Ile; replaces methionine 596 with isoleucine.
Molecular consequence: missense variant.
Genome position (GRCh38, 1-based): chr10:69,384,864, G>A. VCF-style: chr10-69384864-G-A. GRCh37 (hg19) VCF-style: chr10-71144620-G-A.
Other names: c.1800G>A, p.Met600Ile (NM_001322364.2, NM_001358263.1, NM_033497.3 and 1 more transcripts); c.1893G>A, p.Met631Ile (NM_001322365.2); c.1704G>A, p.Met568Ile (NM_001322366.1); c.1692G>A, p.Met564Ile (NM_001322367.1); c.1785G>A, p.Met595Ile (NM_033496.3); c.1752G>A, p.Met584Ile (NM_033500.2); short protein forms M564I, M568I, M584I, M595I, M596I, M600I, M631I.
Identifiers: ClinVar variation 1720949 (VCV001720949.5), dbSNP rs2540432476, ClinGen allele CA376912218.